The following is an entry in ClinVar:

NM_004453.4(ETFDH):c.952C>A (p.Leu318Ile)

Gene: ETFDH (electron transfer flavoprotein dehydrogenase; plus strand). Cytogenetic location: 4q32.1.
Variant type: single nucleotide variant.
Coding change: c.952C>A on transcript NM_004453.4 (MANE Select); coding-DNA position 952, C replaced by A.
Protein change: p.Leu318Ile; replaces leucine 318 with isoleucine.
Molecular consequence: missense variant.
Genome position (GRCh38, 1-based): chr4:158,697,679, C>A. VCF-style: chr4-158697679-C-A. GRCh37 (hg19) VCF-style: chr4-159618831-C-A.
Other names: c.811C>A, p.Leu271Ile (NM_001281737.2); c.769C>A, p.Leu257Ile (NM_001281738.1); short protein forms L257I, L271I, L318I.
Identifiers: ClinVar variation 1421604 (VCV001421604.7), dbSNP rs763002171, ClinGen allele CA3122503.
Genomic context (GRCh38, chr4:158,697,679, plus strand): 5'-CCCTTGGACAGACATACCTATGGAGGATCTTTCCTCTATCATTTGAATGAAGGTGAACCC[C>A]TAGTAGCTCTTGGTCTTGTGGTAAGTTATATTCCCATTAGGGAAAATTCTGCTGCTAGAG-3'
Protein context (NP_004444.2, residues 308-328): FLYHLNEGEP[Leu318Ile]VALGLVVGLD

ClinVar aggregate classification (germline): Uncertain significance (1 of 4 stars; one submission).

Conditions:
Multiple acyl-CoA dehydrogenase deficiency (MADD). Also called: Glutaric aciduria, type 2; ETHYLMALONIC-ADIPICACIDURIA; GA II; Glutaric acidemia type II; GA 2; Glutaric Acidemia type 2. Identifiers: Orphanet 26791, MedGen C0268596, MONDO:0009282, OMIM 231680.

Allele frequency attached by ClinVar (database versions not stated): TOPMed below 0.00001.
gnomAD v4.1: 4 of 1,613,770 alleles (0.00025%); highest among the groups gnomAD compares: Admixed American, 0.0067%; no homozygotes.

Submission:

Labcorp Genetics (formerly Invitae), Labcorp
Classification: Uncertain significance for Multiple acyl-CoA dehydrogenase deficiency. Last evaluated: 2024-05-06. Review status: criteria provided, single submitter. Criteria: Invitae Variant Classification Sherloc (09022015). Collection method: clinical testing. Allele origin: germline.
Comment: This sequence change replaces leucine, which is neutral and non-polar, with isoleucine, which is neutral and non-polar, at codon 318 of the ETFDH protein (p.Leu318Ile). This variant is present in population databases (rs763002171, gnomAD 0.01%). This variant has not been reported in the literature in individuals affected with ETFDH-related conditions. ClinVar contains an entry for this variant (Variation ID: 1421604). Advanced modeling of protein sequence and biophysical properties (such as structural, functional, and spatial information, amino acid conservation, physicochemical variation, residue mobility, and thermodynamic stability) performed at Invitae indicates that this missense variant is not expected to disrupt ETFDH protein function with a negative predictive value of 80%. In summary, the available evidence is currently insufficient to determine the role of this variant in disease. Therefore, it has been classified as a Variant of Uncertain Significance.